The following is an entry in ClinVar:

ClinVar aggregate classification (germline): Uncertain significance. Review status: criteria provided, multiple submitters, no conflicts (2 of 4 stars). 2 submissions from 2 submitters: Uncertain significance (2). Last evaluated 2025-01-11.

Allele frequency attached by ClinVar (database versions not stated): ExAC 0.00001; gnomAD 0.00004; TOPMed 0.00005; gnomAD exomes 0.00007; ESP Exome Variant Server 0.00008.
gnomAD v4.1: 101 of 1,613,146 alleles (0.0063%); highest among the groups gnomAD compares: African/African-American, 0.008%; no homozygotes.

Submissions (2):

Ambry Genetics
Classification: Uncertain significance. Last evaluated: 2025-01-11. Review status: criteria provided, single submitter. Criteria: Ambry Variant Classification Scheme 2023. Collection method: clinical testing. Allele origin: germline.
Comment: The p.N277Y variant (also known as c.829A>T), located in coding exon 9 of the RASA2 gene, results from an A to T substitution at nucleotide position 829. The asparagine at codon 277 is replaced by tyrosine, an amino acid with dissimilar properties. This amino acid position is conserved. In addition, this alteration is predicted to be tolerated by in silico analysis. Since supporting evidence is limited at this time, the clinical significance of this alteration remains unclear.

Labcorp Genetics (formerly Invitae), Labcorp
Classification: Uncertain significance. Last evaluated: 2024-01-25. Review status: criteria provided, single submitter. Criteria: Invitae Variant Classification Sherloc (09022015). Collection method: clinical testing. Allele origin: germline.
Comment: This sequence change replaces asparagine, which is neutral and polar, with tyrosine, which is neutral and polar, at codon 277 of the RASA2 protein (p.Asn277Tyr). This variant is present in population databases (rs373618179, gnomAD 0.004%). This variant has not been reported in the literature in individuals affected with RASA2-related conditions. ClinVar contains an entry for this variant (Variation ID: 1762792). Advanced modeling of protein sequence and biophysical properties (such as structural, functional, and spatial information, amino acid conservation, physicochemical variation, residue mobility, and thermodynamic stability) performed at Invitae indicates that this missense variant is not expected to disrupt RASA2 protein function with a negative predictive value of 80%. Algorithms developed to predict the effect of sequence changes on RNA splicing suggest that this variant may create or strengthen a splice site. In summary, the available evidence is currently insufficient to determine the role of this variant in disease. Therefore, it has been classified as a Variant of Uncertain Significance.

NM_006506.5(RASA2):c.829A>T (p.Asn277Tyr)

Gene: RASA2 (RAS p21 protein activator 2; plus strand). Cytogenetic location: 3q23.
Variant type: single nucleotide variant.
Coding change: c.829A>T on transcript NM_006506.5 (MANE Select); coding-DNA position 829, A replaced by T.
Protein change: p.Asn277Tyr; replaces asparagine 277 with tyrosine.
Molecular consequence: missense variant.
Genome position (GRCh38, 1-based): chr3:141,559,961, A>T. VCF-style: chr3-141559961-A-T. GRCh37 (hg19) VCF-style: chr3-141278803-A-T.
Other names: c.829A>T, p.Asn277Tyr (NM_001303245.3, NM_001303246.3); short protein forms N277Y.
Identifiers: ClinVar variation 1762792 (VCV001762792.8), dbSNP rs373618179, ClinGen allele CA2645328.